The following is an entry in ClinVar:

ClinVar aggregate classification (germline): Uncertain significance (1 of 4 stars; one submission).

Conditions:
Cardiovascular phenotype. Identifiers: MedGen CN230736.

Submission:

Ambry Genetics
Classification: Uncertain significance for Cardiovascular phenotype. Last evaluated: 2025-12-02. Review status: criteria provided, single submitter. Criteria: Ambry Variant Classification Scheme 2023. Collection method: clinical testing. Allele origin: germline.
Comment: The p.P638A variant (also known as c.1912C>G), located in coding exon 1 of the ZNF469 gene, results from a C to G substitution at nucleotide position 1912. The proline at codon 638 is replaced by alanine, an amino acid with highly similar properties. This amino acid position is conserved. In addition, this alteration is predicted to be tolerated by in silico analysis. Based on the available evidence, the clinical significance of this variant remains unclear.

NM_001127464.1:c.1912C>G

Gene: ZNF469 (zinc finger protein 469; plus strand).
Variant type: single nucleotide variant.
Identifiers: ClinVar variation 4615529 (VCV004615529.1).